The following is an entry in ClinVar:

ClinVar aggregate classification (germline): Uncertain significance (1 of 4 stars; one submission).

Conditions:
Familial cold autoinflammatory syndrome 2 (FCAS2). Identifiers: Orphanet 247868, MedGen C2673198, MONDO:0012724, OMIM 611762.

gnomAD v4.1: 4 of 1,614,036 alleles (0.00025%); highest among the groups gnomAD compares: Non-Finnish European, 0.00034%; no homozygotes.

Submission:

Labcorp Genetics (formerly Invitae), Labcorp
Classification: Uncertain significance for Familial cold autoinflammatory syndrome 2. Last evaluated: 2024-06-19. Review status: criteria provided, single submitter. Criteria: Invitae Variant Classification Sherloc (09022015). Collection method: clinical testing. Allele origin: germline.
Comment: This sequence change replaces histidine, which is basic and polar, with arginine, which is basic and polar, at codon 166 of the NLRP12 protein (p.His166Arg). This variant is not present in population databases (gnomAD no frequency). This variant has not been reported in the literature in individuals affected with NLRP12-related conditions. An algorithm developed to predict the effect of missense changes on protein structure and function (PolyPhen-2) suggests that this variant is likely to be disruptive. In summary, the available evidence is currently insufficient to determine the role of this variant in disease. Therefore, it has been classified as a Variant of Uncertain Significance.

NM_144687.4(NLRP12):c.497A>G (p.His166Arg)

Gene: NLRP12 (NLR family pyrin domain containing 12; minus strand). Cytogenetic location: 19q13.42.
Variant type: single nucleotide variant.
Coding change: c.497A>G on transcript NM_144687.4 (MANE Select); coding-DNA position 497, A replaced by G.
Protein change: p.His166Arg; replaces histidine 166 with arginine.
Molecular consequence: missense variant.
Genome position (GRCh38, 1-based): chr19:53,811,162, T>C on the plus strand (A>G on the coding strand, the complement: NLRP12 is on the minus strand). VCF-style: chr19-53811162-T-C. GRCh37 (hg19) VCF-style: chr19-54314416-T-C.
Other names: c.497A>G, p.His166Arg (NM_001277126.2, NM_001277129.1); short protein forms H166R.
Identifiers: ClinVar variation 3656994 (VCV003656994.2).